The following is an entry in ClinVar:

ClinVar aggregate classification (germline): Conflicting classifications of pathogenicity. Review status: criteria provided, conflicting classifications (1 of 4 stars). 2 submissions from 2 submitters: Likely pathogenic (1); Uncertain significance (1). Last evaluated 2025-03-10.

Conditions:
COMP-related disorder. Also called: COMP-related disorders; COMP-related condition.

Submissions (2):

Labcorp Genetics (formerly Invitae), Labcorp
Classification: Uncertain significance. Last evaluated: 2025-03-10. Review status: criteria provided, single submitter. Criteria: Invitae Variant Classification Sherloc (09022015). Collection method: clinical testing. Allele origin: germline.
Comment: This sequence change replaces glycine, which is neutral and non-polar, with serine, which is neutral and polar, at codon 465 of the COMP protein (p.Gly465Ser). This variant is not present in population databases (gnomAD no frequency). This missense change has been observed in individual(s) with pseudoachondroplasia (PMID: 24595329). ClinVar contains an entry for this variant (Variation ID: 1224394). Invitae Evidence Modeling of protein sequence and biophysical properties (such as structural, functional, and spatial information, amino acid conservation, physicochemical variation, residue mobility, and thermodynamic stability) indicates that this missense variant is expected to disrupt COMP protein function with a positive predictive value of 80%. This variant disrupts the p.Gly465 amino acid residue in COMP. Other variant(s) that disrupt this residue have been determined to be pathogenic (PMID: 29162415). This suggests that this residue is clinically significant, and that variants that disrupt this residue are likely to be disease-causing. In summary, the available evidence is currently insufficient to determine the role of this variant in disease. Therefore, it has been classified as a Variant of Uncertain Significance.

Blueprint Genetics
Classification: Likely pathogenic for COMP-related disorders. Last evaluated: 2019-09-17. Review status: criteria provided, single submitter. Criteria: ACMG Guidelines, 2015. Collection method: clinical testing. Allele origin: germline. Affected: yes. Observed: 1 variant allele.

Literature cited by the submitters: PubMed 24595329 (cited by Labcorp Genetics (formerly Invitae), Labcorp); PubMed 29162415 (cited by Labcorp Genetics (formerly Invitae), Labcorp).

NM_000095.3(COMP):c.1393G>A (p.Gly465Ser)

Gene: COMP (cartilage oligomeric matrix protein; minus strand). Cytogenetic location: 19p13.11.
Variant type: single nucleotide variant.
Coding change: c.1393G>A on transcript NM_000095.3 (MANE Select); coding-DNA position 1393, G replaced by A.
Protein change: p.Gly465Ser; replaces glycine 465 with serine.
Molecular consequence: missense variant.
Genome position (GRCh38, 1-based): chr19:18,786,061, C>T on the plus strand (G>A on the coding strand, the complement: COMP is on the minus strand). VCF-style: chr19-18786061-C-T. GRCh37 (hg19) VCF-style: chr19-18896871-C-T.
Other names: short protein forms G465S.
Identifiers: ClinVar variation 1224394 (VCV001224394.3), dbSNP rs2145900853, ClinGen allele CA404884730.